The following is an entry in ClinVar:

ClinVar aggregate classification (germline): Uncertain significance (1 of 4 stars; one submission).

Conditions:
Progressive sclerosing poliodystrophy (MTDPS4A). Also called: Mitochondrial DNA depletion syndrome 4A (Alpers type); ALPERS PROGRESSIVE INFANTILE POLIODYSTROPHY; NEURONAL DEGENERATION OF CHILDHOOD WITH LIVER DISEASE, PROGRESSIVE; Mitochondrial DNA Depletion Syndrome 4A; Alpers-Huttenlocher Syndrome (AHS); Alpers Syndrome. Identifiers: Orphanet 726, MedGen C0205710, MONDO:0008758, OMIM 203700.

Submission:

Labcorp Genetics (formerly Invitae), Labcorp
Classification: Uncertain significance for Progressive sclerosing poliodystrophy. Last evaluated: 2021-11-27. Review status: criteria provided, single submitter. Criteria: Invitae Variant Classification Sherloc (09022015). Collection method: clinical testing. Allele origin: germline.
Comment: This sequence change replaces proline, which is neutral and non-polar, with glutamine, which is neutral and polar, at codon 18 of the POLG protein (p.Pro18Gln). In summary, the available evidence is currently insufficient to determine the role of this variant in disease. Therefore, it has been classified as a Variant of Uncertain Significance. Algorithms developed to predict the effect of missense changes on protein structure and function (SIFT, PolyPhen-2, Align-GVGD) all suggest that this variant is likely to be tolerated. This variant has not been reported in the literature in individuals affected with POLG-related conditions. This variant is not present in population databases (gnomAD no frequency).

NM_002693.3(POLG):c.53C>A (p.Pro18Gln)

Genes: POLG (DNA polymerase gamma, catalytic subunit; minus strand), POLGARF (POLG alternative reading frame; minus strand). Cytogenetic location: 15q26.1.
Variant type: single nucleotide variant.
Coding change: c.53C>A on transcript NM_002693.3 (MANE Select); coding-DNA position 53, C replaced by A.
Protein change: p.Pro18Gln; replaces proline 18 with glutamine.
Molecular consequence: missense variant.
Genome position (GRCh38, 1-based): chr15:89,333,702, G>T on the plus strand (C>A on the coding strand, the complement: POLG is on the minus strand). VCF-style: chr15-89333702-G-T. GRCh37 (hg19) VCF-style: chr15-89876933-G-T.
Other names: c.53C>A, p.Pro18Gln (NM_001126131.2); short protein forms P18Q.
Identifiers: ClinVar variation 1395232 (VCV001395232.6), dbSNP rs1394515933, ClinGen allele CA393775098.